The following is an entry in ClinVar:

ClinVar aggregate classification (germline): Likely benign. Review status: criteria provided, single submitter (1 of 4 stars). 2 submissions from 2 submitters: Likely benign (1). 1 of the submissions does not count toward it. Last evaluated 2024-01-16.

Conditions:
Tyrosinemia type I (TYRSN1). Also called: Tyrosinemia type 1; Fumarylacetoacetase deficiency; Deficiency of fumarylacetoacetase; HEPATORENAL TYROSINEMIA; FAH DEFICIENCY. Identifiers: Orphanet 882, MedGen C0268490, MONDO:0010161, OMIM 276700. Disease mechanism: loss of function.
FAH-related disorder. Also called: FAH-related condition.

Submissions (2):

Labcorp Genetics (formerly Invitae), Labcorp
Classification: Likely benign for Tyrosinemia type I. Last evaluated: 2024-01-16. Review status: criteria provided, single submitter. Criteria: Invitae Variant Classification Sherloc (09022015). Collection method: clinical testing. Allele origin: germline.

PreventionGenetics, part of Exact Sciences
Classification: Likely benign for FAH-related condition. Last evaluated: 2022-11-02. Review status: no assertion criteria provided. Collection method: clinical testing. Allele origin: germline. Not counted in ClinVar's aggregate classification.
Comment: This variant is classified as likely benign based on ACMG/AMP sequence variant interpretation guidelines (Richards et al. 2015 PMID: 25741868, with internal and published modifications).

NM_000137.4(FAH):c.783G>T (p.Pro261=)

Gene: FAH (fumarylacetoacetate hydrolase; plus strand). Cytogenetic location: 15q25.1.
Variant type: single nucleotide variant.
Coding change: c.783G>T on transcript NM_000137.4 (MANE Select); coding-DNA position 783, G replaced by T.
Protein change: p.Pro261=; no amino-acid change (proline 261 retained).
Molecular consequence: synonymous variant.
Genome position (GRCh38, 1-based): chr15:80,173,090, G>T. VCF-style: chr15-80173090-G-T. GRCh37 (hg19) VCF-style: chr15-80465432-G-T.
Other names: c.783G>T, p.Pro261= (NM_001374377.1, NM_001374380.1); c.783G>T (NM_000137.2).
Identifiers: ClinVar variation 1091803 (VCV001091803.11), dbSNP rs777792671, ClinGen allele CA491686490.